The following is an entry in ClinVar:

NM_000702.4(ATP1A2):c.254C>T (p.Pro85Leu)

Gene: ATP1A2 (ATPase Na+/K+ transporting subunit alpha 2; plus strand). Cytogenetic location: 1q23.2.
Variant type: single nucleotide variant.
Coding change: c.254C>T on transcript NM_000702.4 (MANE Select); coding-DNA position 254, C replaced by T.
Protein change: p.Pro85Leu; replaces proline 85 with leucine.
Molecular consequence: missense variant.
Genome position (GRCh38, 1-based): chr1:160,123,289, C>T. VCF-style: chr1-160123289-C-T. GRCh37 (hg19) VCF-style: chr1-160093079-C-T.
Other names: short protein forms P85L.
Identifiers: ClinVar variation 1487881 (VCV001487881.6), dbSNP rs1300541222, ClinGen allele CA343230801.

ClinVar aggregate classification (germline): Uncertain significance (1 of 4 stars; one submission).

Conditions:
Familial hemiplegic migraine. Identifiers: MedGen C0338484, MONDO:0000700.

Allele frequency attached by ClinVar (database versions not stated): gnomAD exomes below 0.00001 and 0.00001; TOPMed 0.00001.
gnomAD v4.1: 5 of 1,614,268 alleles (0.00031%); highest among the groups gnomAD compares: Non-Finnish European, 0.00034%; no homozygotes.

Submission:

Labcorp Genetics (formerly Invitae), Labcorp
Classification: Uncertain significance for Familial hemiplegic migraine. Last evaluated: 2026-01-19. Review status: criteria provided, single submitter. Criteria: Invitae Variant Classification Sherloc (09022015). Collection method: clinical testing. Allele origin: germline.
Comment: This sequence change replaces proline, which is neutral and non-polar, with leucine, which is neutral and non-polar, at codon 85 of the ATP1A2 protein (p.Pro85Leu). This variant is present in population databases (no rsID available, gnomAD 0.002%). This missense change has been observed in individual(s) with clinical features of ATP1A2-related conditions (internal data). ClinVar contains an entry for this variant (Variation ID: 1487881). Invitae Evidence Modeling of protein sequence and biophysical properties (such as structural, functional, and spatial information, amino acid conservation, physicochemical variation, residue mobility, and thermodynamic stability) has been performed for this missense variant. However, the output from this modeling did not meet the statistical confidence thresholds required to predict the impact of this variant on ATP1A2 protein function. In summary, the available evidence is currently insufficient to determine the role of this variant in disease. Therefore, it has been classified as a Variant of Uncertain Significance.